The following is an entry in ClinVar:

NM_018939.4(PCDHB6):c.1605C>T (p.Gly535=)

Genes: PCDHB6 (protocadherin beta 6; plus strand), PCDHB@ (protocadherin beta cluster; plus strand). Cytogenetic location: 5q31.3.
Variant type: single nucleotide variant.
Coding change: c.1605C>T on transcript NM_018939.4 (MANE Select); coding-DNA position 1605, C replaced by T.
Protein change: p.Gly535=; no amino-acid change (glycine 535 retained).
Molecular consequence: synonymous variant.
Genome position (GRCh38, 1-based): chr5:141,151,862, C>T. VCF-style: chr5-141151862-C-T. GRCh37 (hg19) VCF-style: chr5-140531443-C-T.
Other names: c.1197C>T, p.Gly399= (NM_001303145.2).
Identifiers: ClinVar variation 4821294 (VCV004821294.4).
Genomic context (GRCh38, chr5:141,151,862, plus strand): 5'-GTCGCTGGACTACGAGGCCCTGCAGTCTTTCGAGTTCCGCGTGGGCGCCACAGACCGCGG[C>T]TCCCCGGCGTTGAGCAGCGAGGCGCTGGTGCGCTTGCTGGTGCTGGACGCCAACGACAAC-3'
Protein context (NP_061762.2, residues 525-545): FEFRVGATDR[Gly535=]SPALSSEALV

ClinVar aggregate classification (germline): Likely benign (1 of 4 stars; one submission).

Submission:

CeGaT Center for Human Genetics Tuebingen
Classification: Likely benign. Last evaluated: 2026-02-01. Review status: criteria provided, single submitter. Criteria: CeGaT Center For Human Genetics Tuebingen Variant Classification Criteria Version 2. Collection method: clinical testing. Allele origin: germline. Affected: yes. Observed: 1 variant allele.
Comment: PCDHB6: BP4, BP7